The following is an entry in ClinVar:

ClinVar aggregate classification (germline): Conflicting classifications of pathogenicity. Review status: criteria provided, conflicting classifications (1 of 4 stars). 2 submissions from 2 submitters: Uncertain significance (1); Likely benign (1). Last evaluated 2024-01-23.

Conditions:
Deficiency of hyaluronoglucosaminidase (MPS9). Also called: HYALURONIDASE DEFICIENCY; MPS IX; Mucopolysaccharidosis type 9. Identifiers: Orphanet 67041, MedGen C1291490, MONDO:0011093, OMIM 601492.

Allele frequency attached by ClinVar (database versions not stated): gnomAD exomes 0.00008; TOPMed 0.00008.

Submissions (2):

Ambry Genetics
Classification: Likely benign. Last evaluated: 2024-01-23. Review status: criteria provided, single submitter. Criteria: Ambry Variant Classification Scheme 2023. Collection method: clinical testing. Allele origin: germline.

Labcorp Genetics (formerly Invitae), Labcorp
Classification: Uncertain significance for Deficiency of hyaluronoglucosaminidase. Last evaluated: 2022-07-21. Review status: criteria provided, single submitter. Criteria: Invitae Variant Classification Sherloc (09022015). Collection method: clinical testing. Allele origin: germline.
Comment: This sequence change replaces glycine, which is neutral and non-polar, with serine, which is neutral and polar, at codon 48 of the HYAL1 protein (p.Gly48Ser). This variant is present in population databases (rs781924536, gnomAD 0.09%). This variant has not been reported in the literature in individuals affected with HYAL1-related conditions. Algorithms developed to predict the effect of missense changes on protein structure and function output the following: SIFT: "Tolerated"; PolyPhen-2: "Benign"; Align-GVGD: "Class C0". The serine amino acid residue is found in multiple mammalian species, which suggests that this missense change does not adversely affect protein function. In summary, the available evidence is currently insufficient to determine the role of this variant in disease. Therefore, it has been classified as a Variant of Uncertain Significance.

NM_033159.4(HYAL1):c.142G>A (p.Gly48Ser)

Gene: HYAL1 (hyaluronidase 1; minus strand). Cytogenetic location: 3p21.31.
Variant type: single nucleotide variant.
Coding change: c.142G>A on transcript NM_033159.4 (MANE Select); coding-DNA position 142, G replaced by A.
Protein change: p.Gly48Ser; replaces glycine 48 with serine.
Molecular consequence: missense variant. On other transcripts: non-coding transcript variant (1), intron variant (2).
Genome position (GRCh38, 1-based): chr3:50,302,815, C>T on the plus strand (G>A on the coding strand, the complement: HYAL1 is on the minus strand). VCF-style: chr3-50302815-C-T. GRCh37 (hg19) VCF-style: chr3-50340246-C-T.
Other names: c.142G>A, p.Gly48Ser (NM_007312.3, NM_153281.2, NM_153282.3); c.-26-610G>A (NM_153285.3); c.-213-192G>A (NM_153283.3); c.142G>A (NM_153281.1); short protein forms G48S.
Identifiers: ClinVar variation 2060406 (VCV002060406.2), dbSNP rs781924536, ClinGen allele CA2416005.